The following is an entry in ClinVar:

NM_007325.5(GRIA3):c.538G>A (p.Ala180Thr)

Gene: GRIA3 (glutamate ionotropic receptor AMPA type subunit 3; plus strand). Cytogenetic location: Xq25.
Variant type: single nucleotide variant.
Coding change: c.538G>A on transcript NM_007325.5 (MANE Select); coding-DNA position 538, G replaced by A.
Protein change: p.Ala180Thr; replaces alanine 180 with threonine.
Molecular consequence: missense variant.
Genome position (GRCh38, 1-based): chrX:123,326,055, G>A. VCF-style: chrX-123326055-G-A. GRCh37 (hg19) VCF-style: chrX-122459906-G-A.
Other names: c.538G>A (NM_007325.4); c.538G>A, p.Ala180Thr (NM_000828.5); short protein forms A180T.
Identifiers: ClinVar variation 2504042 (VCV002504042.5), dbSNP rs771113274, ClinGen allele CA10506910.

ClinVar aggregate classification (germline): Uncertain significance. Review status: criteria provided, multiple submitters, no conflicts (2 of 4 stars). 2 submissions from 2 submitters: Uncertain significance (2). Last evaluated 2026-06-03.

Allele frequency attached by ClinVar (database versions not stated): ExAC 0.00001; gnomAD 0.00001; gnomAD exomes below 0.00001; TOPMed 0.00002.
gnomAD v4.1: 5 of 1,206,542 alleles (0.00041%); highest among the groups gnomAD compares: Non-Finnish European, 0.00056%; no homozygotes.

Submissions (2):

Women's Health and Genetics/Laboratory Corporation of America, LabCorp
Classification: Uncertain significance. Last evaluated: 2026-06-03. Review status: criteria provided, single submitter. Criteria: LabCorp Variant Classification Summary - May 2015. Collection method: clinical testing. Allele origin: germline.
Comment: Variant summary: GRIA3 c.538G>A (p.Ala180Thr) results in a non-conservative amino acid change located in the Receptor, ligand binding region (IPR001828) of the encoded protein sequence. Algorithms developed to predict the effect of missense changes on protein structure and function are either unavailable or do not agree on the potential impact of this missense change. The variant allele was found at a frequency of 5.5e-06 in 183249 control chromosomes. The available data on variant occurrences in the general population are insufficient to allow any conclusion about variant significance. To our knowledge, no occurrence of c.538G>A in individuals affected with GRIA3-related conditions and no experimental evidence demonstrating its impact on protein function have been reported. ClinVar contains an entry for this variant (Variation ID: 2504042). Based on the evidence outlined above, the variant was classified as uncertain significance.

Labcorp Genetics (formerly Invitae), Labcorp
Classification: Uncertain significance. Last evaluated: 2023-11-19. Review status: criteria provided, single submitter. Criteria: Invitae Variant Classification Sherloc (09022015). Collection method: clinical testing. Allele origin: germline.
Comment: This sequence change replaces alanine, which is neutral and non-polar, with threonine, which is neutral and polar, at codon 180 of the GRIA3 protein (p.Ala180Thr). This variant is present in population databases (rs771113274, gnomAD 0.001%). This variant has not been reported in the literature in individuals affected with GRIA3-related conditions. ClinVar contains an entry for this variant (Variation ID: 2504042). Advanced modeling of protein sequence and biophysical properties (such as structural, functional, and spatial information, amino acid conservation, physicochemical variation, residue mobility, and thermodynamic stability) performed at Invitae indicates that this missense variant is not expected to disrupt GRIA3 protein function with a negative predictive value of 80%. In summary, the available evidence is currently insufficient to determine the role of this variant in disease. Therefore, it has been classified as a Variant of Uncertain Significance.